The following is an entry in ClinVar:

ClinVar aggregate classification (germline): Conflicting classifications of pathogenicity. Review status: criteria provided, conflicting classifications (1 of 4 stars). 2 submissions from 2 submitters: Uncertain significance (1); Likely benign (1). Last evaluated 2025-12-24.

Conditions:
GATA6-related disorder. Also called: GATA6-related condition.
Atrioventricular septal defect 5 (AVSD5). Identifiers: MedGen C3280939, MONDO:0013769, OMIM 614474.

Allele frequency attached by ClinVar (database versions not stated): TOPMed 0.00006.
gnomAD v4.1: 125 of 1,614,120 alleles (0.0077%); highest among the groups gnomAD compares: Non-Finnish European, 0.01%; no homozygotes.

Submissions (2):

Labcorp Genetics (formerly Invitae), Labcorp
Classification: Likely benign for Atrioventricular septal defect 5. Last evaluated: 2025-12-24. Review status: criteria provided, single submitter. Criteria: Invitae Variant Classification Sherloc (09022015). Collection method: clinical testing. Allele origin: germline.

PreventionGenetics, part of Exact Sciences
Classification: Uncertain significance for GATA6-related condition. Last evaluated: 2023-02-01. Review status: criteria provided, single submitter. Criteria: ACMG Guidelines, 2015. Collection method: clinical testing. Allele origin: germline.
Comment: The GATA6 c.1320T>A variant is not predicted to result in an amino acid change (p.=). To our knowledge, this variant has not been reported in the literature. This variant is reported in 0.0080% of alleles in individuals of African descent in gnomAD. At this time, the clinical significance of this variant is uncertain due to the absence of conclusive functional and genetic evidence.

NM_005257.6(GATA6):c.1320T>A (p.Leu440=)

Gene: GATA6 (GATA binding protein 6; plus strand). Cytogenetic location: 18q11.2.
Variant type: single nucleotide variant.
Coding change: c.1320T>A on transcript NM_005257.6 (MANE Select); coding-DNA position 1320, T replaced by A.
Protein change: p.Leu440=; no amino-acid change (leucine 440 retained).
Molecular consequence: synonymous variant.
Genome position (GRCh38, 1-based): chr18:22,181,470, T>A. VCF-style: chr18-22181470-T-A. GRCh37 (hg19) VCF-style: chr18-19761431-T-A.
Identifiers: ClinVar variation 472910 (VCV000472910.7), dbSNP rs146624465, ClinGen allele CA8908962.